The following is an entry in ClinVar:

ClinVar aggregate classification (germline): Uncertain significance. Review status: criteria provided, multiple submitters, no conflicts (2 of 4 stars). 2 submissions from 2 submitters: Uncertain significance (2). Last evaluated 2025-10-11.

Conditions:
Hereditary cancer-predisposing syndrome. Also called: Hereditary Cancer Syndrome; Tumor predisposition; Neoplastic Syndromes, Hereditary; Hereditary neoplastic syndrome. Identifiers: Orphanet 140162, MedGen C0027672, MeSH D009386, MONDO:0015356.
Gorlin syndrome. Also called: Nevoid Basal Cell Carcinoma Syndrome; Basal cell nevus syndrome. Identifiers: Orphanet 377, MedGen C0004779, MONDO:0007187.

Submissions (2):

Labcorp Genetics (formerly Invitae), Labcorp
Classification: Uncertain significance for Gorlin syndrome. Last evaluated: 2025-10-11. Review status: criteria provided, single submitter. Criteria: Invitae Variant Classification Sherloc (09022015). Collection method: clinical testing. Allele origin: germline.
Comment: This sequence change replaces lysine, which is basic and polar, with asparagine, which is neutral and polar, at codon 377 of the PTCH1 protein (p.Lys377Asn). This variant is not present in population databases (gnomAD no frequency). This variant has not been reported in the literature in individuals affected with PTCH1-related conditions. ClinVar contains an entry for this variant (Variation ID: 3230933). Invitae Evidence Modeling of protein sequence and biophysical properties (such as structural, functional, and spatial information, amino acid conservation, physicochemical variation, residue mobility, and thermodynamic stability) has been performed for this missense variant. However, the output from this modeling did not meet the statistical confidence thresholds required to predict the impact of this variant on PTCH1 protein function. In summary, the available evidence is currently insufficient to determine the role of this variant in disease. Therefore, it has been classified as a Variant of Uncertain Significance.

Ambry Genetics
Classification: Uncertain significance for Hereditary cancer-predisposing syndrome. Last evaluated: 2023-02-22. Review status: criteria provided, single submitter. Criteria: Ambry Variant Classification Scheme 2023. Collection method: clinical testing. Allele origin: germline.
Comment: The p.K377N variant (also known as c.1131G>C), located in coding exon 8 of the PTCH1 gene, results from a G to C substitution at nucleotide position 1131. The lysine at codon 377 is replaced by asparagine, an amino acid with similar properties. This amino acid position is not well conserved in available vertebrate species. In addition, this alteration is predicted to be tolerated by in silico analysis. Since supporting evidence is limited at this time, the clinical significance of this alteration remains unclear.

NM_000264.5(PTCH1):c.1131G>C (p.Lys377Asn)

Gene: PTCH1 (patched 1; minus strand). Cytogenetic location: 9q22.32.
Variant type: single nucleotide variant.
Coding change: c.1131G>C on transcript NM_000264.5 (MANE Select); coding-DNA position 1131, G replaced by C.
Protein change: p.Lys377Asn; replaces lysine 377 with asparagine.
Molecular consequence: missense variant. On other transcripts: non-coding transcript variant (1).
Genome position (GRCh38, 1-based): chr9:95,479,084, C>G on the plus strand (G>C on the coding strand, the complement: PTCH1 is on the minus strand). VCF-style: chr9-95479084-C-G. GRCh37 (hg19) VCF-style: chr9-98241366-C-G.
Other names: c.933G>C, p.Lys311Asn (NM_001083602.3); c.1128G>C, p.Lys376Asn (NM_001083603.3); c.678G>C, p.Lys226Asn (NM_001083604.3, NM_001083605.3, NM_001083606.3 and 1 more transcripts); c.1131G>C, p.Lys377Asn (NM_001354918.2); short protein forms K226N, K311N, K376N, K377N.
Identifiers: ClinVar variation 3230933 (VCV003230933.2), dbSNP rs2538217318, ClinGen allele CA374119397.